The following is an entry in ClinVar:

ClinVar aggregate classification (germline): Uncertain significance (1 of 4 stars; one submission).

Allele frequency attached by ClinVar (database versions not stated): gnomAD exomes below 0.00001.
gnomAD v4.1: 1 of 1,613,482 alleles (0.000062%); highest among the groups gnomAD compares: East Asian, 0.0022%; no homozygotes.

Submission:

Labcorp Genetics (formerly Invitae), Labcorp
Classification: Uncertain significance. Last evaluated: 2022-05-06. Review status: criteria provided, single submitter. Criteria: Invitae Variant Classification Sherloc (09022015). Collection method: clinical testing. Allele origin: germline.
Comment: In summary, the available evidence is currently insufficient to determine the role of this variant in disease. Therefore, it has been classified as a Variant of Uncertain Significance. Algorithms developed to predict the effect of missense changes on protein structure and function are either unavailable or do not agree on the potential impact of this missense change (SIFT: "Deleterious"; PolyPhen-2: "Benign"; Align-GVGD: "Class C0"). This variant has not been reported in the literature in individuals affected with ATRN-related conditions. This variant is not present in population databases (gnomAD no frequency). This sequence change replaces aspartic acid, which is acidic and polar, with tyrosine, which is neutral and polar, at codon 481 of the ATRN protein (p.Asp481Tyr).

NM_139321.3(ATRN):c.1441G>T (p.Asp481Tyr)

Gene: ATRN (attractin; plus strand). Cytogenetic location: 20p13.
Variant type: single nucleotide variant.
Coding change: c.1441G>T on transcript NM_139321.3 (MANE Select); coding-DNA position 1441, G replaced by T.
Protein change: p.Asp481Tyr; replaces aspartic acid 481 with tyrosine.
Molecular consequence: missense variant.
Genome position (GRCh38, 1-based): chr20:3,560,899, G>T. VCF-style: chr20-3560899-G-T. GRCh37 (hg19) VCF-style: chr20-3541546-G-T.
Other names: c.1093G>T, p.Asp365Tyr (NM_001207047.3); c.1441G>T, p.Asp481Tyr (NM_001323332.2, NM_139322.4); short protein forms D481Y, D365Y.
Identifiers: ClinVar variation 1971514 (VCV001971514.5), dbSNP rs2514522982, ClinGen allele CA408254647.
Genomic context (GRCh38, chr20:3,560,899, plus strand): 5'-ATGCTGGTCATCTTTGGTCACTGCCCTCTCTATGGATATATAAGCAATGTGCAGGAATAT[G>T]ATTTGGGTAGGTATATTTTTTCCAGTAGATGCCTTTTGAACATCAGATTTAAAACCTCTA-3'
Protein context (NP_647537.1, residues 471-491): YGYISNVQEY[Asp481Tyr]LDKNTWSILH